The following is an entry in ClinVar:

NM_001374736.1(DST):c.11831C>A (p.Ala3944Asp)

Gene: DST (dystonin; minus strand). Cytogenetic location: 6p12.1.
Variant type: single nucleotide variant.
Coding change: c.11831C>A on transcript NM_001374736.1 (MANE Select); coding-DNA position 11831, C replaced by A.
Protein change: p.Ala3944Asp; replaces alanine 3944 with aspartic acid.
Molecular consequence: missense variant.
Genome position (GRCh38, 1-based): chr6:56,598,573, G>T on the plus strand (C>A on the coding strand, the complement: DST is on the minus strand). VCF-style: chr6-56598573-G-T. GRCh37 (hg19) VCF-style: chr6-56463371-G-T.
Other names: p.Ala1321Asp; c.5474C>A, p.Ala1825Asp (NM_001144769.5); c.5060C>A, p.Ala1687Asp (NM_001144770.2); c.11831C>A, p.Ala3944Asp (NM_001374722.1); c.11198C>A, p.Ala3733Asp (NM_001374729.1); c.4940C>A, p.Ala1647Asp (NM_001374730.1, NM_001386100.1, NM_183380.4); c.11858C>A, p.Ala3953Asp (NM_001374734.1); c.3962C>A, p.Ala1321Asp (NM_015548.5); short protein forms A1321D, A1647D, A1687D, A1825D, A3733D, A3944D, A3953D.
Identifiers: ClinVar variation 1024638 (VCV001024638.10), dbSNP rs181057912, ClinGen allele CA3868570.
Genomic context (GRCh38, chr6:56,598,573, plus strand): 5'-TTATCCAGCTCCTTTTTAGACTGTTCTGCTTTTAAATTAAGCTGTTCACACTTTATCTTA[G>T]CTTCATTAAGTTTCTGTTCAATCAAAGCCTTATCTTCCTGTGACAGCTTTTCACCATTCT-3'
Protein context (NP_001361665.1, residues 3934-3954): KALIEQKLNE[Ala3944Asp]KIKCEQLNLK

ClinVar aggregate classification (germline): Uncertain significance. Review status: criteria provided, multiple submitters, no conflicts (2 of 4 stars). 4 submissions from 4 submitters: Uncertain significance (4). Last evaluated 2026-04-27.

Conditions:
Hereditary sensory and autonomic neuropathy type 6. Also called: Neuropathy, hereditary sensory and autonomic, type VI; HSAN VI. Identifiers: Orphanet 314381, MedGen C3539003, MONDO:0013839, OMIM 614653.
Epidermolysis bullosa simplex 3, localized or generalized intermediate, with BP230 deficiency (EBS3). Also called: Epidermolysis bullosa simplex, autosomal recessive 2; Epidermolysis bullosa simplex due to BP230 deficiency. Identifiers: Orphanet 412181, MedGen C3809470, MONDO:0014180, OMIM 615425.
Inborn genetic diseases. Identifiers: MedGen C0950123, MeSH D030342.
DST-related disorder. Also called: DST-related condition; DST-related disorders.

Allele frequency attached by ClinVar (database versions not stated): ESP Exome Variant Server 0.00008; 1000 Genomes Project 30x 0.00016; 1000 Genomes Project 0.00020; gnomAD 0.00020 and 0.00021; ExAC 0.00027; gnomAD exomes 0.00032; TOPMed 0.00035.
gnomAD v4.1: 558 of 1,612,152 alleles (0.035%); highest among the groups gnomAD compares: Admixed American, 0.078%; 1 homozygote.

Submissions (4):

PreventionGenetics, part of Exact Sciences
Classification: Uncertain significance for DST-related condition. Last evaluated: 2026-04-27. Review status: criteria provided, single submitter. Criteria: ACMG Guidelines, 2015. Collection method: clinical testing. Allele origin: germline.
Comment: The DST c.5474C>A variant is predicted to result in the amino acid substitution p.Ala1825Asp. To our knowledge, this variant has not been reported in the literature. This variant is reported in 0.094% of alleles in individuals of Latino descent in gnomAD. Although we suspect that this variant may be benign, at this time, the clinical significance of this variant is uncertain due to the absence of conclusive functional and genetic evidence.

Ambry Genetics
Classification: Uncertain significance for Inborn genetic diseases. Last evaluated: 2022-09-30. Review status: criteria provided, single submitter. Criteria: Ambry Variant Classification Scheme 2023. Collection method: clinical testing. Allele origin: germline.
Comment: The p.A1825D variant (also known as c.5474C>A), located in coding exon 40 of the DST gene, results from a C to A substitution at nucleotide position 5474. The alanine at codon 1825 is replaced by aspartic acid, an amino acid with dissimilar properties. This amino acid position is highly conserved in available vertebrate species. In addition, this alteration is predicted to be deleterious by in silico analysis. Since supporting evidence is limited at this time, the clinical significance of this alteration remains unclear.

Labcorp Genetics (formerly Invitae), Labcorp
Classification: Uncertain significance for Epidermolysis bullosa simplex 3, localized or generalized intermediate, with BP230 deficiency; Hereditary sensory and autonomic neuropathy type 6. Last evaluated: 2022-09-01. Review status: criteria provided, single submitter. Criteria: Invitae Variant Classification Sherloc (09022015). Collection method: clinical testing. Allele origin: germline.
Comment: The DST gene has multiple clinically relevant transcripts. This variant occurs in alternate transcript NM_015548.4, and corresponds to NM_001723.5:c.*16944C>A in the primary transcript. This sequence change replaces alanine, which is neutral and non-polar, with aspartic acid, which is acidic and polar, at codon 1321 of the DST protein (p.Ala1321Asp). This variant is present in population databases (rs181057912, gnomAD 0.09%). This variant has not been reported in the literature in individuals affected with DST-related conditions. ClinVar contains an entry for this variant (Variation ID: 1024638). Experimental studies and prediction algorithms are not available or were not evaluated, and the functional significance of this variant is currently unknown. In summary, the available evidence is currently insufficient to determine the role of this variant in disease. Therefore, it has been classified as a Variant of Uncertain Significance.

Mayo Clinic Laboratories, Mayo Clinic
Classification: Uncertain significance. Last evaluated: 2021-10-26. Review status: criteria provided, single submitter. Criteria: ACMG Guidelines, 2015. Collection method: clinical testing. Allele origin: germline.